The following is an entry in ClinVar:

ClinVar aggregate classification (germline): Uncertain significance (1 of 4 stars; one submission).

Submission:

Labcorp Genetics (formerly Invitae), Labcorp
Classification: Uncertain significance. Last evaluated: 2022-01-11. Review status: criteria provided, single submitter. Criteria: Invitae Variant Classification Sherloc (09022015). Collection method: clinical testing. Allele origin: germline.
Comment: In summary, the available evidence is currently insufficient to determine the role of this variant in disease. Therefore, it has been classified as a Variant of Uncertain Significance. Algorithms developed to predict the effect of missense changes on protein structure and function are either unavailable or do not agree on the potential impact of this missense change (SIFT: "Deleterious"; PolyPhen-2: "Possibly Damaging"; Align-GVGD: "Class C0"). This variant has not been reported in the literature in individuals affected with SMARCD2-related conditions. This variant is not present in population databases (gnomAD no frequency). This sequence change replaces arginine, which is basic and polar, with tryptophan, which is neutral and slightly polar, at codon 43 of the SMARCD2 protein (p.Arg43Trp).

NM_001098426.2(SMARCD2):c.127C>T (p.Arg43Trp)

Genes: SMARCD2 (SWI/SNF related BAF chromatin remodeling complex subunit D2; minus strand), LOC130061409 (ATAC-STARR-seq lymphoblastoid silent region 8832; plus strand). Cytogenetic location: 17q23.3.
Variant type: single nucleotide variant.
Coding change: c.127C>T on transcript NM_001098426.2 (MANE Select); coding-DNA position 127, C replaced by T.
Protein change: p.Arg43Trp; replaces arginine 43 with tryptophan.
Molecular consequence: missense variant.
Genome position (GRCh38, 1-based): chr17:63,842,548, G>A on the plus strand (C>T on the coding strand, the complement: SMARCD2 is on the minus strand). VCF-style: chr17-63842548-G-A. GRCh37 (hg19) VCF-style: chr17-61919908-G-A.
Other names: short protein forms R43W.
Identifiers: ClinVar variation 1912063 (VCV001912063.5), dbSNP rs1904512453, ClinGen allele CA400602171.
Genomic context (GRCh38, chr17:63,842,548, plus strand): 5'-CCATGGGGCGGAAGGCGGCGGCCCCGGGGCCCCCCACGCCTCCTGCCGGACCCGGTCCCC[G>A]GAGCGCCGGTCCGGGCAGCATGCCGGGTCCCGCGGGGGGAGGCGGCGCTCCCAGGGCCGC-3'
Protein context (NP_001091896.1, residues 33-53): GPGMLPGPAL[Arg43Trp]GPGPAGGVGG